The following is an entry in ClinVar:

ClinVar aggregate classification (germline): Pathogenic/Likely pathogenic. Review status: criteria provided, multiple submitters, no conflicts (2 of 4 stars). 2 submissions from 2 submitters: Pathogenic (1); Likely pathogenic (1). Last evaluated 2026-03-27.

Conditions:
Hereditary cancer-predisposing syndrome. Also called: Neoplastic Syndromes, Hereditary; Tumor predisposition; Hereditary Cancer Syndrome; Hereditary neoplastic syndrome. Identifiers: Orphanet 140162, MedGen C0027672, MeSH D009386, MONDO:0015356.
Birt-Hogg-Dube syndrome. Also called: Birt Hogg Dubé syndrome. Identifiers: Orphanet 122, MedGen C0346010, MONDO:0800444.

Submissions (2):

Ambry Genetics
Classification: Likely pathogenic for Hereditary cancer-predisposing syndrome. Last evaluated: 2026-03-27. Review status: criteria provided, single submitter. Criteria: Ambry Variant Classification Scheme 2023. Collection method: clinical testing. Allele origin: germline.
Comment: The c.1300+1G>C intronic variant results from a G to C substitution one nucleotide after coding exon 8 of the FLCN gene. This variant is considered to be rare based on population cohorts in the Genome Aggregation Database (gnomAD). Alterations that disrupt the canonical splice site are expected to cause aberrant splicing, resulting in an abnormal protein or a transcript that is subject to nonsense-mediated mRNA decay. In silico splice site analysis predicts that this alteration will weaken the native splice donor site. RNA studies have demonstrated that this variant results in abnormal splicing in the set of samples tested (Ambry internal data). As such, this alteration is classified as likely pathogenic.

Labcorp Genetics (formerly Invitae), Labcorp
Classification: Pathogenic for Birt-Hogg-Dube syndrome. Last evaluated: 2025-01-15. Review status: criteria provided, single submitter. Criteria: Invitae Variant Classification Sherloc (09022015). Collection method: clinical testing. Allele origin: germline.
Comment: This sequence change affects a donor splice site in intron 11 of the FLCN gene. It is expected to disrupt RNA splicing. Variants that disrupt the donor or acceptor splice site typically lead to a loss of protein function (PMID: 16199547), and loss-of-function variants in FLCN are known to be pathogenic (PMID: 15852235). This variant is not present in population databases (gnomAD no frequency). Disruption of this splice site has been observed in individuals with Birt-Hogg-Dubé syndrome (PMID: 20618353, 31266032, 35477461, 37490463). It has also been observed to segregate with disease in related individuals. ClinVar contains an entry for this variant (Variation ID: 1349973). Algorithms developed to predict the effect of sequence changes on RNA splicing suggest that this variant may disrupt the consensus splice site. For these reasons, this variant has been classified as Pathogenic.

Literature cited by the submitters: PubMed 16199547 (cited by Labcorp Genetics (formerly Invitae), Labcorp); PubMed 15852235 (cited by Labcorp Genetics (formerly Invitae), Labcorp); PubMed 20618353 (cited by Labcorp Genetics (formerly Invitae), Labcorp); PubMed 31266032 (cited by Labcorp Genetics (formerly Invitae), Labcorp); PubMed 35477461 (cited by Labcorp Genetics (formerly Invitae), Labcorp); PubMed 37490463 (cited by Labcorp Genetics (formerly Invitae), Labcorp).

NM_144997.7(FLCN):c.1300+1G>C

Gene: FLCN (folliculin; minus strand). Cytogenetic location: 17p11.2.
Variant type: single nucleotide variant.
Coding change: c.1300+1G>C on transcript NM_144997.7 (MANE Select); the canonical splice donor site of the intron after coding-DNA position 1300, G replaced by C.
Molecular consequence: splice donor variant.
Genome position (GRCh38, 1-based): chr17:17,216,379, C>G on the plus strand (G>C on the coding strand, the complement: FLCN is on the minus strand). VCF-style: chr17-17216379-C-G. GRCh37 (hg19) VCF-style: chr17-17119693-C-G.
Other names: c.1300+1G>C (NM_001353231.2, NM_001353230.2, NM_144997.5); c.1354+1G>C (NM_001353229.2).
Identifiers: ClinVar variation 1349973 (VCV001349973.9), dbSNP rs879255676, ClinGen allele CA398531568.